The following is an entry in ClinVar:

ClinVar aggregate classification (germline): Benign (1 of 4 stars; one submission).

Allele frequency attached by ClinVar (database versions not stated): TOPMed 0.08072; gnomAD 0.08681; 1000 Genomes Project 30x 0.12258; 1000 Genomes Project 0.12640.

Submission:

Unidad de Genómica Garrahan, Hospital de Pediatría Garrahan
Classification: Benign. Last evaluated: 2024-01-24. Review status: criteria provided, single submitter. Criteria: ACMG Guidelines, 2015. Collection method: clinical testing. Allele origin: germline. Affected: no. Observed: 19 variant alleles.
Comment: This variant is classified as Benign based on local population frequency. This variant was detected in 20% of patients studied by a panel of primary immunodeficiencies. Number of patients: 19. Only high quality variants are reported.

NM_017999.5(RNF31):c.809+67A>G

Gene: RNF31 (ring finger protein 31; plus strand). Cytogenetic location: 14q12.
Variant type: single nucleotide variant.
Coding change: c.809+67A>G on transcript NM_017999.5 (MANE Select); 67 bases into the intron after coding-DNA position 809, A replaced by G.
Molecular consequence: intron variant.
Genome position (GRCh38, 1-based): chr14:24,149,650, A>G. VCF-style: chr14-24149650-A-G. GRCh37 (hg19) VCF-style: chr14-24618859-A-G.
Other names: c.356+67A>G (NM_001310332.2).
Identifiers: ClinVar variation 2688347 (VCV002688347.2), dbSNP rs743272, ClinGen allele CA15814810.